The following is an entry in ClinVar:

ClinVar aggregate classification (germline): Uncertain significance. Review status: criteria provided, multiple submitters, no conflicts (2 of 4 stars). 2 submissions from 2 submitters: Uncertain significance (2). Last evaluated 2025-03-10.

Conditions:
Curry-Hall syndrome (WAD). Also called: WEYERS ACRODENTAL DYSOSTOSIS. Identifiers: Orphanet 952, MedGen C0457013, MONDO:0008673, OMIM 193530.
Ellis-van Creveld syndrome (EVC). Also called: EVC-Related Ellis-van Creveld Syndrome; EVC2-Related Ellis-van Creveld Syndrome; MESOECTODERMAL DYSPLASIA; Chondroectodermal dysplasia. Identifiers: Orphanet 289, MedGen C0013903, MONDO:0009162, OMIM 225500.

Allele frequency attached by ClinVar (database versions not stated): gnomAD 0.00002 and 0.00003; gnomAD exomes 0.00004 and 0.00007; TOPMed 0.00004; ExAC 0.00008; ESP Exome Variant Server 0.00008; 1000 Genomes Project 30x 0.00016; 1000 Genomes Project 0.00020.
gnomAD v4.1: 65 of 1,614,112 alleles (0.004%); highest among the groups gnomAD compares: South Asian, 0.041%; no homozygotes.

Submissions (2):

Labcorp Genetics (formerly Invitae), Labcorp
Classification: Uncertain significance for Curry-Hall syndrome; Ellis-van Creveld syndrome. Last evaluated: 2025-03-10. Review status: criteria provided, single submitter. Criteria: Invitae Variant Classification Sherloc (09022015). Collection method: clinical testing. Allele origin: germline.
Comment: This sequence change replaces arginine, which is basic and polar, with histidine, which is basic and polar, at codon 727 of the EVC2 protein (p.Arg727His). This variant is present in population databases (rs140363692, gnomAD 0.04%). This variant has not been reported in the literature in individuals affected with EVC2-related conditions. ClinVar contains an entry for this variant (Variation ID: 618096). An algorithm developed to predict the effect of missense changes on protein structure and function outputs the following: PolyPhen-2: "Benign". The histidine amino acid residue is found in multiple mammalian species, which suggests that this missense change does not adversely affect protein function. In summary, the available evidence is currently insufficient to determine the role of this variant in disease. Therefore, it has been classified as a Variant of Uncertain Significance.

ARUP Laboratories, Molecular Genetics and Genomics, ARUP Laboratories
Classification: Uncertain significance. Last evaluated: 2018-06-26. Review status: criteria provided, single submitter. Criteria: ARUP Molecular Germline Variant Investigation Process. Collection method: clinical testing. Allele origin: germline.
Comment: The EVC2 c.2180G>A; p.Arg727His variant (rs140363692), to our knowledge, is not described in the medical literature or in gene-specific databases, but is observed in the general population at an overall frequency of 0.0077% (19/246064 alleles) in the Genome Aggregation Database. The arginine at codon 727 is moderately conserved, but computational algorithms (PolyPhen-2, SIFT) predict that this variant is tolerated. Due to limited information regarding this variant, its clinical significance cannot be determined with certainty.

NM_147127.5(EVC2):c.2180G>A (p.Arg727His)

Gene: EVC2 (EvC ciliary complex subunit 2; minus strand). Cytogenetic location: 4p16.2.
Variant type: single nucleotide variant.
Coding change: c.2180G>A on transcript NM_147127.5 (MANE Select); coding-DNA position 2180, G replaced by A.
Protein change: p.Arg727His; replaces arginine 727 with histidine.
Molecular consequence: missense variant.
Genome position (GRCh38, 1-based): chr4:5,622,858, C>T on the plus strand (G>A on the coding strand, the complement: EVC2 is on the minus strand). VCF-style: chr4-5622858-C-T. GRCh37 (hg19) VCF-style: chr4-5624585-C-T.
Other names: c.1940G>A, p.Arg647His (NM_001166136.2); short protein forms R727H, R647H.
Identifiers: ClinVar variation 618096 (VCV000618096.13), dbSNP rs140363692, ClinGen allele CA2834783.